The following is an entry in ClinVar:

NM_033380.3(COL4A5):c.3454+3A>C

Gene: COL4A5 (collagen type IV alpha 5 chain; plus strand). Cytogenetic location: Xq22.3.
Variant type: single nucleotide variant.
Coding change: c.3454+3A>C on transcript NM_033380.3 (MANE Select); 3 bases into the intron after coding-DNA position 3454, A replaced by C.
Molecular consequence: intron variant.
Genome position (GRCh38, 1-based): chrX:108,665,590, A>C. VCF-style: chrX-108665590-A-C. GRCh37 (hg19) VCF-style: chrX-107908820-A-C.
Other names: c.3454+3A>C (NM_000495.5).
Identifiers: ClinVar variation 2700469 (VCV002700469.3), dbSNP rs2524562821, ClinGen allele CA2697544715.

ClinVar aggregate classification (germline): Uncertain significance (1 of 4 stars; one submission).

Submission:

Labcorp Genetics (formerly Invitae), Labcorp
Classification: Uncertain significance. Last evaluated: 2023-12-13. Review status: criteria provided, single submitter. Criteria: Invitae Variant Classification Sherloc (09022015). Collection method: clinical testing. Allele origin: germline.
Comment: This sequence change falls in intron 38 of the COL4A5 gene. It does not directly change the encoded amino acid sequence of the COL4A5 protein. It affects a nucleotide within the consensus splice site. This variant is not present in population databases (gnomAD no frequency). This variant has not been reported in the literature in individuals affected with COL4A5-related conditions. Variants that disrupt the consensus splice site are a relatively common cause of aberrant splicing (PMID: 17576681, 9536098). Algorithms developed to predict the effect of sequence changes on RNA splicing suggest that this variant may disrupt the consensus splice site. In summary, the available evidence is currently insufficient to determine the role of this variant in disease. Therefore, it has been classified as a Variant of Uncertain Significance.

Literature cited by the submitters: PubMed 17576681; PubMed 9536098.